The following is an entry in ClinVar:

NM_001148.6(ANK2):c.3269A>G (p.Lys1090Arg)

Gene: ANK2 (ankyrin 2; plus strand). Cytogenetic location: 4q26.
Variant type: single nucleotide variant.
Coding change: c.3269A>G on transcript NM_001148.6 (MANE Select); coding-DNA position 3269, A replaced by G.
Protein change: p.Lys1090Arg; replaces lysine 1090 with arginine.
Molecular consequence: missense variant.
Genome position (GRCh38, 1-based): chr4:113,333,098, A>G. VCF-style: chr4-113333098-A-G. GRCh37 (hg19) VCF-style: chr4-114254254-A-G.
Other names: c.3068A>G, p.Lys1023Arg (NM_001386154.1, NM_001354274.2, NM_001386142.1); c.3008A>G, p.Lys1003Arg (NM_001386156.1, NM_001354257.2); c.2885A>G, p.Lys962Arg (NM_001386157.1, NM_001354277.2); c.2786A>G, p.Lys929Arg (NM_001386158.1); c.3113A>G, p.Lys1038Arg (NM_001386160.1); c.3203A>G, p.Lys1068Arg (NM_001386161.1, NM_001354244.2, NM_001354256.2); c.3083A>G, p.Lys1028Arg (NM_001386162.1, NM_001354249.2, NM_001354264.2 and 7 more transcripts); c.3410A>G, p.Lys1137Arg (NM_001386174.1); and 28 more; short protein forms K1003R, K1056R, K1069R, K1105R, K962R, K1015R, K1019R, K1038R.
Identifiers: ClinVar variation 5022172 (VCV005022172.1).

ClinVar aggregate classification (germline): Uncertain significance (1 of 4 stars; one submission).

Conditions:
Cardiovascular phenotype. Identifiers: MedGen CN230736.

gnomAD v4.1: 2 of 1,614,228 alleles (0.00012%); highest among the groups gnomAD compares: African/African-American, 0.0013%; no homozygotes.

Submission:

Ambry Genetics
Classification: Uncertain significance for Cardiovascular phenotype. Last evaluated: 2026-09-13. Review status: criteria provided, single submitter. Criteria: Ambry Variant Classification Scheme 2023. Collection method: clinical testing. Allele origin: germline.
Comment: The p.K1090R variant (also known as c.3269A>G), located in coding exon 29 of the ANK2 gene, results from an A to G substitution at nucleotide position 3269. The lysine at codon 1090 is replaced by arginine, an amino acid with highly similar properties. This amino acid position is conserved. In addition, this alteration is predicted to be tolerated by in silico analysis. Based on the available evidence, the clinical significance of this variant remains unclear.